The following is an entry in ClinVar:

ClinVar aggregate classification (germline): Uncertain significance (1 of 4 stars; one submission).

Conditions:
Hereditary cancer-predisposing syndrome. Also called: Neoplastic Syndromes, Hereditary; Tumor predisposition; Hereditary neoplastic syndrome; Hereditary Cancer Syndrome. Identifiers: Orphanet 140162, MedGen C0027672, MeSH D009386, MONDO:0015356.

gnomAD v4.1: 1 of 1,614,042 alleles (0.000062%); highest among the groups gnomAD compares: African/African-American, 0.0013%; no homozygotes.

Submission:

Ambry Genetics
Classification: Uncertain significance for Hereditary cancer-predisposing syndrome. Last evaluated: 2025-06-08. Review status: criteria provided, single submitter. Criteria: Ambry Variant Classification Scheme 2023. Collection method: clinical testing. Allele origin: germline.
Comment: The p.I248T variant (also known as c.743T>C), located in coding exon 2 of the ALK gene, results from a T to C substitution at nucleotide position 743. The isoleucine at codon 248 is replaced by threonine, an amino acid with similar properties. This amino acid position is conserved. In addition, this alteration is predicted to be tolerated by in silico analysis. Based on the available evidence, the clinical significance of this variant remains unclear.

NM_004304.5(ALK):c.743T>C (p.Ile248Thr)

Gene: ALK (ALK receptor tyrosine kinase; minus strand). Cytogenetic location: 2p23.2.
Variant type: single nucleotide variant.
Coding change: c.743T>C on transcript NM_004304.5 (MANE Select); coding-DNA position 743, T replaced by C.
Protein change: p.Ile248Thr; replaces isoleucine 248 with threonine.
Molecular consequence: missense variant.
Genome position (GRCh38, 1-based): chr2:29,717,622, A>G on the plus strand (T>C on the coding strand, the complement: ALK is on the minus strand). VCF-style: chr2-29717622-A-G. GRCh37 (hg19) VCF-style: chr2-29940488-A-G.
Other names: short protein forms I248T.
Identifiers: ClinVar variation 4038999 (VCV004038999.1).